The following is an entry in ClinVar:

NM_007294.4(BRCA1):c.122del (p.His41fs)

Gene: BRCA1 (BRCA1 DNA repair associated; minus strand). Cytogenetic location: 17q21.31.
Variant type: Deletion.
Coding change: c.122del on transcript NM_007294.4 (MANE Select); coding-DNA position 122, one base deleted (A; older notation c.122delA).
Protein change: p.His41fs; shifts the reading frame from histidine 41.
Molecular consequence: frameshift variant. On other transcripts: non-coding transcript variant (1), intron variant (1).
Genome position (GRCh38, 1-based): chr17:43,115,738, T deleted on the plus strand (A on the coding strand, the reverse complement: BRCA1 is on the minus strand). VCF-style (leftmost placement, unchanged base first): chr17-43115737-GT-G. GRCh37 (hg19) VCF-style: chr17-41267754-GT-G.
Other names: c.122delA, p.His41Profs (NM_001407633.1, NM_001407634.1, NM_001407635.1 and 190 more transcripts); c.-136delA (NM_001407694.1, NM_001407696.1, NM_001407724.1 and 13 more transcripts); c.-140delA (NM_001407695.1, NM_001408465.1); c.-20delA (NM_001407697.1, NM_001407725.1, NM_001407728.1 and 47 more transcripts); c.-16delA (NM_001407841.1); c.-67delA (NM_001407853.1, NM_001407879.1, NM_001407882.1 and 52 more transcripts); c.-183delA (NM_001407889.1, NM_001407900.1, NM_001408492.1); c.-182delA (NM_001407960.1, NM_001407962.1, NM_001408510.1 and 1 more transcripts); and 3 more; short protein forms H41fs.
Identifiers: ClinVar variation 54167 (VCV000054167.4), dbSNP rs397508847, ClinGen allele CA000806.

ClinVar aggregate classification (germline): Pathogenic. Review status: reviewed by expert panel (3 of 4 stars). 3 submissions from 3 submitters: Pathogenic (1). 2 of the submissions do not count toward it. Last evaluated 2017-12-15.

Conditions:
Breast-ovarian cancer, familial, susceptibility to, 1 (BROVCA1). Also called: OVARIAN CANCER, SUSCEPTIBILITY TO; BRCA1 Hereditary Breast and Ovarian Cancer. Identifiers: Orphanet 145, MedGen C2676676, MONDO:0011450, OMIM 604370. Disease mechanism: loss of function.
Familial cancer of breast. Also called: Hereditary breast cancer; hereditary breast carcinoma; BREAST CANCER, FAMILIAL. Identifiers: Orphanet 227535, MedGen C0346153, MONDO:0016419, OMIM 114480. Disease mechanism: loss of function.

Submissions (3):

Evidence-based Network for the Interpretation of Germline Mutant Alleles (ENIGMA)
Classification: Pathogenic for Breast-ovarian cancer, familial, susceptibility to, 1. Last evaluated: 2017-12-15. Review status: reviewed by expert panel. Criteria: ENIGMA BRCA1/2 Classification Criteria (2017-06-29). Collection method: curation. Allele origin: germline. Study: ENIGMA.
Comment: Variant allele predicted to encode a truncated non-functional protein.

Myriad Genetics, Inc.
Classification: Pathogenic for Breast-ovarian cancer, familial, susceptibility to, 1. Last evaluated: 2024-01-23. Review status: criteria provided, single submitter. Criteria: Myriad Autosomal Dominant, Autosomal Recessive and X-Linked Classification Criteria (2023). Collection method: clinical testing. Allele origin: unknown. Not counted in ClinVar's aggregate classification.
Comment: This variant is considered pathogenic. This variant creates a frameshift predicted to result in premature protein truncation.

ClinVar Staff, National Center for Biotechnology Information (NCBI)
No classification provided. Condition: Familial cancer of breast. Review status: no classification provided. Collection method: literature only. Allele origin: germline. Affected: yes. Not counted in ClinVar's aggregate classification.

Literature cited by the submitters: PubMed 11595708 (cited by ClinVar Staff, National Center for Biotechnology Information (NCBI)).